The following is an entry in ClinVar:

ClinVar aggregate classification (germline): Uncertain significance (1 of 4 stars; one submission).

Conditions:
Cardiovascular phenotype. Identifiers: MedGen CN230736.

Submission:

Ambry Genetics
Classification: Uncertain significance for Cardiovascular phenotype. Last evaluated: 2020-09-17. Review status: criteria provided, single submitter. Criteria: Ambry Variant Classification Scheme 2023. Collection method: clinical testing. Allele origin: germline.
Comment: The p.V2105L variant (also known as c.6313G>C), located in coding exon 26 of the TTN gene, results from a G to C substitution at nucleotide position 6313. The valine at codon 2105 is replaced by leucine, an amino acid with highly similar properties. This amino acid position is highly conserved in available vertebrate species. In addition, the in silico prediction for this alteration is inconclusive. Since supporting evidence is limited at this time, the clinical significance of this alteration remains unclear.

NM_001267550.2(TTN):c.6451G>C (p.Val2151Leu)

Gene: TTN (titin; minus strand). Cytogenetic location: 2q31.2.
Variant type: single nucleotide variant.
Coding change: c.6451G>C on transcript NM_001267550.2 (MANE Select); coding-DNA position 6451, G replaced by C.
Protein change: p.Val2151Leu; replaces valine 2151 with leucine.
Molecular consequence: missense variant.
Genome position (GRCh38, 1-based): chr2:178,775,413, C>G on the plus strand (G>C on the coding strand, the complement: TTN is on the minus strand). VCF-style: chr2-178775413-C-G. GRCh37 (hg19) VCF-style: chr2-179640140-C-G.
Other names: c.6451G>C, p.Val2151Leu (NM_001256850.1, NM_133378.4, NM_133379.5); c.6313G>C, p.Val2105Leu (NM_003319.4, NM_133432.3, NM_133437.4); short protein forms V2105L, V2151L.
Identifiers: ClinVar variation 1752808 (VCV001752808.2), dbSNP rs755654942, ClinGen allele CA349682801.